The following is an entry in ClinVar:

NM_033087.4(ALG2):c.703G>A (p.Glu235Lys)

Gene: ALG2 (ALG2 alpha-1,3/1,6-mannosyltransferase; minus strand). Cytogenetic location: 9q22.33.
Variant type: single nucleotide variant.
Coding change: c.703G>A on transcript NM_033087.4 (MANE Select); coding-DNA position 703, G replaced by A.
Protein change: p.Glu235Lys; replaces glutamic acid 235 with lysine.
Molecular consequence: missense variant. On other transcripts: non-coding transcript variant (1).
Genome position (GRCh38, 1-based): chr9:99,218,482, C>T on the plus strand (G>A on the coding strand, the complement: ALG2 is on the minus strand). VCF-style: chr9-99218482-C-T. GRCh37 (hg19) VCF-style: chr9-101980764-C-T.
Other names: c.703G>A (NM_033087.3); short protein forms E235K.
Identifiers: ClinVar variation 1004082 (VCV001004082.4), dbSNP rs189167741, ClinGen allele CA5156266.

ClinVar aggregate classification (germline): Uncertain significance. Review status: criteria provided, multiple submitters, no conflicts (2 of 4 stars). 2 submissions from 2 submitters: Uncertain significance (2). Last evaluated 2025-09-09.

Conditions:
Inborn genetic diseases. Identifiers: MedGen C0950123, MeSH D030342.
Congenital myasthenic syndrome 14. Also called: Myasthenic syndrome, congenital, 14, with tubular aggregates. Identifiers: Orphanet 353327, Orphanet 590, MedGen C4015597, MONDO:0014543, OMIM 616228.
Congenital disorder of glycosylation, type Ii. Also called: ALG2-CDG; CDG Ii; ALG2-congenital disorder of glycosylation. Identifiers: Orphanet 79326, MedGen C1842836, MONDO:0011933, OMIM 607906.

Allele frequency attached by ClinVar (database versions not stated): gnomAD 0.00001 and 0.00002; 1000 Genomes Project 30x 0.00016; ExAC 0.00002; ESP Exome Variant Server 0.00008; TOPMed 0.00001; gnomAD exomes 0.00002; 1000 Genomes Project 0.00020.
gnomAD v4.1: 27 of 1,614,228 alleles (0.0017%); highest among the groups gnomAD compares: African/African-American, 0.0027%; no homozygotes.

Submissions (2):

Labcorp Genetics (formerly Invitae), Labcorp
Classification: Uncertain significance for Congenital disorder of glycosylation, type Ii; Congenital myasthenic syndrome 14. Last evaluated: 2025-09-09. Review status: criteria provided, single submitter. Criteria: Invitae Variant Classification Sherloc (09022015). Collection method: clinical testing. Allele origin: germline.
Comment: This sequence change replaces glutamic acid, which is acidic and polar, with lysine, which is basic and polar, at codon 235 of the ALG2 protein (p.Glu235Lys). This variant is present in population databases (rs189167741, gnomAD 0.007%). This variant has not been reported in the literature in individuals affected with ALG2-related conditions. ClinVar contains an entry for this variant (Variation ID: 1004082). An algorithm developed to predict the effect of missense changes on protein structure and function (PolyPhen-2) suggests that this variant is likely to be disruptive. In summary, the available evidence is currently insufficient to determine the role of this variant in disease. Therefore, it has been classified as a Variant of Uncertain Significance.

Ambry Genetics
Classification: Uncertain significance for Inborn genetic diseases. Last evaluated: 2024-09-30. Review status: criteria provided, single submitter. Criteria: Ambry Variant Classification Scheme 2023. Collection method: clinical testing. Allele origin: germline.